The following is an entry in ClinVar:

NM_006904.7(PRKDC):c.1496A>C (p.Lys499Thr)

Gene: PRKDC (protein kinase, DNA-activated, catalytic subunit; minus strand). Cytogenetic location: 8q11.21.
Variant type: single nucleotide variant.
Coding change: c.1496A>C on transcript NM_006904.7 (MANE Select); coding-DNA position 1496, A replaced by C.
Protein change: p.Lys499Thr; replaces lysine 499 with threonine.
Molecular consequence: missense variant.
Genome position (GRCh38, 1-based): chr8:47,935,010, T>G on the plus strand (A>C on the coding strand, the complement: PRKDC is on the minus strand). VCF-style: chr8-47935010-T-G. GRCh37 (hg19) VCF-style: chr8-48847570-T-G.
Other names: c.1496A>C, p.Lys499Thr (NM_001081640.2); short protein forms K499T.
Identifiers: ClinVar variation 3225750 (VCV003225750.1), dbSNP rs2551879373, ClinGen allele CA371165539.

ClinVar aggregate classification (germline): Uncertain significance (1 of 4 stars; one submission).

Allele frequency attached by ClinVar (database versions not stated): gnomAD exomes below 0.00001.
gnomAD v4.1: 1 of 1,517,214 alleles (0.000066%); highest among the groups gnomAD compares: African/African-American, 0.0014%; no homozygotes.

Submission:

Ambry Genetics
Classification: Uncertain significance. Last evaluated: 2024-01-01. Review status: criteria provided, single submitter. Criteria: Ambry Variant Classification Scheme 2023. Collection method: clinical testing. Allele origin: germline.
Comment: The p.K499T variant (also known as c.1496A>C), located in coding exon 14 of the PRKDC gene, results from an A to C substitution at nucleotide position 1496. The lysine at codon 499 is replaced by threonine, an amino acid with similar properties. This amino acid position is conserved. In addition, this alteration is predicted to be tolerated by in silico analysis. Since supporting evidence is limited at this time, the clinical significance of this alteration remains unclear.